The following is an entry in ClinVar:

NM_007078.3(LDB3):c.1036G>A (p.Ala346Thr)

Gene: LDB3 (LIM domain binding 3; plus strand). Cytogenetic location: 10q23.2.
Variant type: single nucleotide variant.
Coding change: c.1036G>A on transcript NM_007078.3 (MANE Select); coding-DNA position 1036, G replaced by A.
Protein change: p.Ala346Thr; replaces alanine 346 with threonine.
Molecular consequence: missense variant. On other transcripts: intron variant (4).
Genome position (GRCh38, 1-based): chr10:86,706,670, G>A. VCF-style: chr10-86706670-G-A. GRCh37 (hg19) VCF-style: chr10-88466427-G-A.
Other names: p.A346T:GCC>ACC; c.895G>A, p.Ala299Thr (NM_001368066.1); c.897-3235G>A (NM_001368064.1, NM_001368065.1); c.1101-3235G>A (NM_001171610.2); c.756-3235G>A (NM_001080114.2); short protein forms A346T, A299T.
Identifiers: ClinVar variation 163845 (VCV000163845.26), dbSNP rs201968775, ClinGen allele CA176551.

ClinVar aggregate classification (germline): Conflicting classifications of pathogenicity. Review status: criteria provided, conflicting classifications (1 of 4 stars). 7 submissions from 7 submitters: Uncertain significance (1); Likely benign (5). 1 of the submissions does not count toward it. Last evaluated 2026-01-19.

Conditions:
Cardiovascular phenotype. Identifiers: MedGen CN230736.
LDB3-related disorder. Also called: LDB3-related condition.
Myofibrillar myopathy 4. Also called: Zaspopathy (type). Identifiers: Orphanet 98912, MedGen C4721886, MONDO:0012277, OMIM 609452.

Allele frequency attached by ClinVar (database versions not stated): gnomAD exomes 0.00007 and 0.00008; ExAC 0.00009; ESP Exome Variant Server 0.00015; 1000 Genomes Project 30x 0.00016; 1000 Genomes Project 0.00020; TOPMed 0.00040; gnomAD 0.00054.
gnomAD v4.1: 180 of 1,612,888 alleles (0.011%); highest among the groups gnomAD compares: African/African-American, 0.15%; no homozygotes.

Submissions (7):

Labcorp Genetics (formerly Invitae), Labcorp
Classification: Likely benign for Myofibrillar myopathy 4. Last evaluated: 2026-01-19. Review status: criteria provided, single submitter. Criteria: Invitae Variant Classification Sherloc (09022015). Collection method: clinical testing. Allele origin: germline.

Blueprint Genetics
Classification: Likely benign. Last evaluated: 2024-09-25. Review status: criteria provided, single submitter. Criteria: ACMG Guidelines, 2015. Collection method: clinical testing. Allele origin: germline.

GeneDx
Classification: Likely benign. Last evaluated: 2024-02-09. Review status: criteria provided, single submitter. Criteria: GeneDx Variant Classification Process June 2021. Collection method: clinical testing. Allele origin: germline. Affected: yes.
Comment: See Variant Classification Assertion Criteria.

Ambry Genetics
Classification: Likely benign for Cardiovascular phenotype. Last evaluated: 2021-03-18. Review status: criteria provided, single submitter. Criteria: Ambry Variant Classification Scheme 2023. Collection method: clinical testing. Allele origin: germline.

Eurofins Ntd Llc (ga)
Classification: Uncertain significance. Last evaluated: 2018-04-20. Review status: criteria provided, single submitter. Criteria: EGL ClinVar v180209 classification definitions. Collection method: clinical testing. Allele origin: germline. Observed: 1 variant allele, 1 heterozygote.

Laboratory for Molecular Medicine, Mass General Brigham Personalized Medicine
Classification: Likely benign. Last evaluated: 2017-11-06. Review status: criteria provided, single submitter. Criteria: LMM Criteria. Collection method: clinical testing. Allele origin: germline. Observed: 3 variant alleles.
Comment: p.Ala346Thr in exon 10 of LDB3: This variant is not expected to have clinical si gnificance due to frequency in the general population and a lack of conservation across species, including mammals. Of note, 4 non-human primates have a threoni ne (Thr) at this position. In addition, computational prediction tools do not su ggest a high likelihood of impact to the protein. It has also been identified in 0.13% (31/23778) of African chromosomes by the Genome Aggregation Database (gno mAD; dbSNP rs201968775). ACMG/AMP Criteria app lied: BS1, BP4 (Richards 2015).

PreventionGenetics, part of Exact Sciences
Classification: Likely benign for LDB3-related condition. Last evaluated: 2024-04-18. Review status: no assertion criteria provided. Collection method: clinical testing. Allele origin: germline. Not counted in ClinVar's aggregate classification.
Comment: This variant is classified as likely benign based on ACMG/AMP sequence variant interpretation guidelines (Richards et al. 2015 PMID: 25741868, with internal and published modifications).

Literature cited by the submitters: PubMed 25351510 (cited by Ambry Genetics).